The following is an entry in ClinVar:

NM_001430.5(EPAS1):c.2169C>G (p.Ser723Arg)

Gene: EPAS1 (endothelial PAS domain protein 1; plus strand). Cytogenetic location: 2p21.
Variant type: single nucleotide variant.
Coding change: c.2169C>G on transcript NM_001430.5 (MANE Select); coding-DNA position 2169, C replaced by G.
Protein change: p.Ser723Arg; replaces serine 723 with arginine.
Molecular consequence: missense variant.
Genome position (GRCh38, 1-based): chr2:46,381,719, C>G. VCF-style: chr2-46381719-C-G. GRCh37 (hg19) VCF-style: chr2-46608858-C-G.
Other names: short protein forms S723R.
Identifiers: ClinVar variation 3275705 (VCV003275705.1).

ClinVar aggregate classification (germline): Uncertain significance (1 of 4 stars; one submission).

Conditions:
Inborn genetic diseases. Identifiers: MedGen C0950123, MeSH D030342.

Submission:

Ambry Genetics
Classification: Uncertain significance for Inborn genetic diseases. Last evaluated: 2024-04-20. Review status: criteria provided, single submitter. Criteria: Ambry Variant Classification Scheme 2023. Collection method: clinical testing. Allele origin: germline.
Comment: The p.S723R variant (also known as c.2169C>G), located in coding exon 13 of the EPAS1 gene, results from a C to G substitution at nucleotide position 2169. The serine at codon 723 is replaced by arginine, an amino acid with dissimilar properties. This amino acid position is conserved. In addition, this alteration is predicted to be tolerated by in silico analysis. Based on the available evidence, the clinical significance of this variant remains unclear.